The following is an entry in ClinVar:

NM_002241.5(KCNJ10):c.65G>A (p.Gly22Asp)

Gene: KCNJ10 (potassium inwardly rectifying channel subfamily J member 10; minus strand). Cytogenetic location: 1q23.2.
Variant type: single nucleotide variant.
Coding change: c.65G>A on transcript NM_002241.5 (MANE Select); coding-DNA position 65, G replaced by A.
Protein change: p.Gly22Asp; replaces glycine 22 with aspartic acid.
Molecular consequence: missense variant.
Genome position (GRCh38, 1-based): chr1:160,042,468, C>T on the plus strand (G>A on the coding strand, the complement: KCNJ10 is on the minus strand). VCF-style: chr1-160042468-C-T. GRCh37 (hg19) VCF-style: chr1-160012258-C-T.
Other names: short protein forms G22D.
Identifiers: ClinVar variation 4801143 (VCV004801143.1).

ClinVar aggregate classification (germline): Uncertain significance (1 of 4 stars; one submission).

Conditions:
EAST syndrome (SESAMES). Also called: SEIZURES, SENSORINEURAL DEAFNESS, ATAXIA, IMPAIRED INTELLECTUAL DEVELOPMENT, AND ELECTROLYTE IMBALANCE. Identifiers: Orphanet 199343, MedGen C2748572, MONDO:0013005, OMIM 612780.

Submission:

Labcorp Genetics (formerly Invitae), Labcorp
Classification: Uncertain significance for EAST syndrome. Last evaluated: 2025-08-08. Review status: criteria provided, single submitter. Criteria: Invitae Variant Classification Sherloc (09022015). Collection method: clinical testing. Allele origin: germline.
Comment: This sequence change replaces glycine, which is neutral and non-polar, with aspartic acid, which is acidic and polar, at codon 22 of the KCNJ10 protein (p.Gly22Asp). This variant is not present in population databases (gnomAD no frequency). This variant has not been reported in the literature in individuals affected with KCNJ10-related conditions. Invitae Evidence Modeling of protein sequence and biophysical properties (such as structural, functional, and spatial information, amino acid conservation, physicochemical variation, residue mobility, and thermodynamic stability) indicates that this missense variant is not expected to disrupt KCNJ10 protein function with a negative predictive value of 95%. In summary, the available evidence is currently insufficient to determine the role of this variant in disease. Therefore, it has been classified as a Variant of Uncertain Significance.